The following is an entry in ClinVar:

ClinVar aggregate classification (germline): Uncertain significance (1 of 4 stars; one submission).

Submission:

Labcorp Genetics (formerly Invitae), Labcorp
Classification: Uncertain significance. Last evaluated: 2023-02-15. Review status: criteria provided, single submitter. Criteria: Invitae Variant Classification Sherloc (09022015). Collection method: clinical testing. Allele origin: germline.
Comment: This sequence change replaces glycine, which is neutral and non-polar, with glutamic acid, which is acidic and polar, at codon 144 of the EFNB1 protein (p.Gly144Glu). This variant is not present in population databases (gnomAD no frequency). This variant has not been reported in the literature in individuals affected with EFNB1-related conditions. Advanced modeling of protein sequence and biophysical properties (such as structural, functional, and spatial information, amino acid conservation, physicochemical variation, residue mobility, and thermodynamic stability) performed at Invitae indicates that this missense variant is expected to disrupt EFNB1 protein function. In summary, the available evidence is currently insufficient to determine the role of this variant in disease. Therefore, it has been classified as a Variant of Uncertain Significance.

NM_004429.5(EFNB1):c.431G>A (p.Gly144Glu)

Gene: EFNB1 (ephrin B1; plus strand). Cytogenetic location: Xq13.1.
Variant type: single nucleotide variant.
Coding change: c.431G>A on transcript NM_004429.5 (MANE Select); coding-DNA position 431, G replaced by A.
Protein change: p.Gly144Glu; replaces glycine 144 with glutamic acid.
Molecular consequence: missense variant.
Genome position (GRCh38, 1-based): chrX:68,839,688, G>A. VCF-style: chrX-68839688-G-A. GRCh37 (hg19) VCF-style: chrX-68059531-G-A.
Other names: short protein forms G144E.
Identifiers: ClinVar variation 2837625 (VCV002837625.3), dbSNP rs2519539197, ClinGen allele CA413437944.